The following is an entry in ClinVar:

ClinVar aggregate classification (germline): Pathogenic. Review status: criteria provided, single submitter (1 of 4 stars). 2 submissions from 2 submitters: Pathogenic (1). 1 of the submissions does not count toward it. Last evaluated 2025-10-27.

Conditions:
Glycine encephalopathy. Also called: Nonketotic hyperglycinemia; Non-ketotic hyperglycinemia. Identifiers: Orphanet 407, MedGen C0751748, MONDO:0011612, HP:0008288.

gnomAD v4.1: 4 of 1,613,724 alleles (0.00025%); highest among the groups gnomAD compares: Non-Finnish European, 0.00034%; no homozygotes.

Submissions (2):

Labcorp Genetics (formerly Invitae), Labcorp
Classification: Pathogenic for Glycine encephalopathy. Last evaluated: 2025-10-27. Review status: criteria provided, single submitter. Criteria: Invitae Variant Classification Sherloc (09022015). Collection method: clinical testing. Allele origin: germline.
Comment: This sequence change replaces alanine, which is neutral and non-polar, with proline, which is neutral and non-polar, at codon 841 of the GLDC protein (p.Ala841Pro). This variant is not present in population databases (gnomAD no frequency). This missense change has been observed in individual(s) with glycine encephalopathy (PMID: 16601880, 27362913). In at least one individual the data is consistent with being in trans (on the opposite chromosome) from a pathogenic variant. ClinVar contains an entry for this variant (Variation ID: 56081). Invitae Evidence Modeling of protein sequence and biophysical properties (such as structural, functional, and spatial information, amino acid conservation, physicochemical variation, residue mobility, and thermodynamic stability) indicates that this missense variant is expected to disrupt GLDC protein function with a positive predictive value of 95%. For these reasons, this variant has been classified as Pathogenic.

Juha Muilu Group; Institute for Molecular Medicine Finland (FIMM)
Classification: Likely pathogenic for Non-ketotic hyperglycinemia. Review status: no assertion criteria provided. Collection method: not provided. Allele origin: unknown. Not counted in ClinVar's aggregate classification.
Comment: FinDis database variant: This variant was not found or characterized by our laboratory, data were collected from public sources: see reference
ClinVar note: Converted during submission from probable-pathogenic to Likely pathogenic.

Literature cited by the submitters: PubMed 16601880 (cited by Labcorp Genetics (formerly Invitae), Labcorp); PubMed 27362913 (cited by Labcorp Genetics (formerly Invitae), Labcorp).

NM_000170.3(GLDC):c.2521G>C (p.Ala841Pro)

Gene: GLDC (glycine decarboxylase; minus strand). Cytogenetic location: 9p24.1.
Variant type: single nucleotide variant.
Coding change: c.2521G>C on transcript NM_000170.3 (MANE Select); coding-DNA position 2521, G replaced by C.
Protein change: p.Ala841Pro; replaces alanine 841 with proline.
Molecular consequence: missense variant.
Genome position (GRCh38, 1-based): chr9:6,550,851, C>G on the plus strand (G>C on the coding strand, the complement: GLDC is on the minus strand). VCF-style: chr9-6550851-C-G. GRCh37 (hg19) VCF-style: chr9-6550851-C-G.
Other names: short protein forms A841P.
Identifiers: ClinVar variation 56081 (VCV000056081.6), dbSNP rs386833562, ClinGen allele CA263382.